The following is an entry in ClinVar:

NM_006302.3(MOGS):c.1687C>T (p.Arg563Trp)

Gene: MOGS (mannosyl-oligosaccharide glucosidase; minus strand). Cytogenetic location: 2p13.1.
Variant type: single nucleotide variant.
Coding change: c.1687C>T on transcript NM_006302.3 (MANE Select); coding-DNA position 1687, C replaced by T.
Protein change: p.Arg563Trp; replaces arginine 563 with tryptophan.
Molecular consequence: missense variant.
Genome position (GRCh38, 1-based): chr2:74,462,102, G>A on the plus strand (C>T on the coding strand, the complement: MOGS is on the minus strand). VCF-style: chr2-74462102-G-A. GRCh37 (hg19) VCF-style: chr2-74689229-G-A.
Other names: c.1369C>T, p.Arg457Trp (NM_001146158.2); short protein forms R457W, R563W.
Identifiers: ClinVar variation 1983015 (VCV001983015.4), dbSNP rs1431008691, ClinGen allele CA347371354.
Genomic context (GRCh38, chr2:74,462,102, plus strand): 5'-CCAGCCCAGAGGGTAGGGTCTTGGGGTTCAGTAAGGTTGGTAAGGCAGGGTCCCGTCCCC[G>A]CCAGCGGTAAGATAGTGGCAGTGGGCCTGCCTGGCTCTGATGGAGCCAGGAAAACCAGGC-3'
Protein context (NP_006293.2, residues 553-573): AGPLPLSYRW[Arg563Trp]GRDPALPTLL

ClinVar aggregate classification (germline): Uncertain significance (1 of 4 stars; one submission).

Conditions:
MOGS-congenital disorder of glycosylation. Also called: CDG IIb; GLUCOSIDASE I DEFICIENCY; MOGS-CDG; CDG 2B. Identifiers: Orphanet 79330, MedGen C1853736, MONDO:0011629, OMIM 606056.

Allele frequency attached by ClinVar (database versions not stated): gnomAD exomes below 0.00001; gnomAD 0.00001; TOPMed 0.00001.

Submission:

Labcorp Genetics (formerly Invitae), Labcorp
Classification: Uncertain significance for MOGS-congenital disorder of glycosylation. Last evaluated: 2024-12-16. Review status: criteria provided, single submitter. Criteria: Invitae Variant Classification Sherloc (09022015). Collection method: clinical testing. Allele origin: germline.
Comment: This sequence change replaces arginine, which is basic and polar, with tryptophan, which is neutral and slightly polar, at codon 563 of the MOGS protein (p.Arg563Trp). This variant is present in population databases (no rsID available, gnomAD 0.01%). This variant has not been reported in the literature in individuals affected with MOGS-related conditions. ClinVar contains an entry for this variant (Variation ID: 1983015). Invitae Evidence Modeling of protein sequence and biophysical properties (such as structural, functional, and spatial information, amino acid conservation, physicochemical variation, residue mobility, and thermodynamic stability) indicates that this missense variant is expected to disrupt MOGS protein function with a positive predictive value of 80%. In summary, the available evidence is currently insufficient to determine the role of this variant in disease. Therefore, it has been classified as a Variant of Uncertain Significance.